The following is an entry in ClinVar:

NM_000539.3(RHO):c.53G>T (p.Gly18Val)

Gene: RHO (rhodopsin; plus strand). Cytogenetic location: 3q22.1.
Variant type: single nucleotide variant.
Coding change: c.53G>T on transcript NM_000539.3 (MANE Select); coding-DNA position 53, G replaced by T.
Protein change: p.Gly18Val; replaces glycine 18 with valine.
Molecular consequence: missense variant.
Genome position (GRCh38, 1-based): chr3:129,528,786, G>T. VCF-style: chr3-129528786-G-T. GRCh37 (hg19) VCF-style: chr3-129247629-G-T.
Other names: short protein forms G18V.
Identifiers: ClinVar variation 1396854 (VCV001396854.8), dbSNP rs200946638, ClinGen allele CA354495405.

ClinVar aggregate classification (germline): Uncertain significance (1 of 4 stars; one submission).

Submission:

Labcorp Genetics (formerly Invitae), Labcorp
Classification: Uncertain significance. Last evaluated: 2020-12-11. Review status: criteria provided, single submitter. Criteria: Invitae Variant Classification Sherloc (09022015). Collection method: clinical testing. Allele origin: germline.
Comment: In summary, the available evidence is currently insufficient to determine the role of this variant in disease. Therefore, it has been classified as a Variant of Uncertain Significance. This variant disrupts the p.Gly18 amino acid residue in RHO. Other variant(s) that disrupt this residue have been observed in individuals with RHO-related conditions (PMID: 28981474), which suggests that this may be a clinically significant amino acid residue. Algorithms developed to predict the effect of missense changes on protein structure and function are either unavailable or do not agree on the potential impact of this missense change (SIFT: "Deleterious"; PolyPhen-2: "Probably Damaging"; Align-GVGD: "Class C0"). This variant has been observed in individual(s) with clinical features of retinitis pigmentosa (Invitae). This variant is not present in population databases (ExAC no frequency). This sequence change replaces glycine with valine at codon 18 of the RHO protein (p.Gly18Val). The glycine residue is highly conserved and there is a moderate physicochemical difference between glycine and valine.

Literature cited by the submitters: PubMed 28981474.